The following is an entry in ClinVar:

NM_030662.4(MAP2K2):c.678C>T (p.Ser226=)

Gene: MAP2K2 (mitogen-activated protein kinase kinase 2; minus strand). Cytogenetic location: 19p13.3.
Variant type: single nucleotide variant.
Coding change: c.678C>T on transcript NM_030662.4 (MANE Select); coding-DNA position 678, C replaced by T.
Protein change: p.Ser226=; no amino-acid change (serine 226 retained).
Molecular consequence: synonymous variant.
Genome position (GRCh38, 1-based): chr19:4,101,046, G>A on the plus strand (C>T on the coding strand, the complement: MAP2K2 is on the minus strand). VCF-style: chr19-4101046-G-A. GRCh37 (hg19) VCF-style: chr19-4101044-G-A.
Other names: p.S226S:TCC>TCT; p.Ser226=.
Identifiers: ClinVar variation 46240 (VCV000046240.29), dbSNP rs200874968, ClinGen allele CA137962.

ClinVar aggregate classification (germline): Conflicting classifications of pathogenicity. Review status: criteria provided, conflicting classifications (1 of 4 stars). 10 submissions from 10 submitters: Uncertain significance (1); Benign (2); Likely benign (7). Last evaluated 2026-01-26.

Conditions:
Cardiovascular phenotype. Identifiers: MedGen CN230736.
RASopathy. Also called: rasopathies; Noonan spectrum disorder. Identifiers: Orphanet 536391, MedGen C5555857, MONDO:0021060.

Allele frequency attached by ClinVar (database versions not stated): ESP Exome Variant Server 0.00015; 1000 Genomes Project 30x 0.00016; 1000 Genomes Project 0.00020; gnomAD exomes 0.00025 and 0.00043; gnomAD 0.00026; TOPMed 0.00036; ExAC 0.00043.
gnomAD v4.1: 647 of 1,575,772 alleles (0.041%); highest among the groups gnomAD compares: Non-Finnish European, 0.053%; 1 homozygote.

Submissions (10):

Labcorp Genetics (formerly Invitae), Labcorp
Classification: Likely benign for RASopathy. Last evaluated: 2026-01-26. Review status: criteria provided, single submitter. Criteria: Invitae Variant Classification Sherloc (09022015). Collection method: clinical testing. Allele origin: germline.

CeGaT Center for Human Genetics Tuebingen
Classification: Likely benign. Last evaluated: 2025-03-01. Review status: criteria provided, single submitter. Criteria: CeGaT Center For Human Genetics Tuebingen Variant Classification Criteria Version 2. Collection method: clinical testing. Allele origin: germline. Affected: yes. Observed: 1 variant allele.
Comment: MAP2K2: BP4, BP7

Mayo Clinic Laboratories, Mayo Clinic
Classification: Likely benign. Last evaluated: 2025-02-24. Review status: criteria provided, single submitter. Criteria: ACMG Guidelines, 2015. Collection method: clinical testing. Allele origin: germline. Observed: 2 variant alleles.

Blueprint Genetics
Classification: Likely benign. Last evaluated: 2024-11-27. Review status: criteria provided, single submitter. Criteria: ACMG Guidelines, 2015. Collection method: clinical testing. Allele origin: germline.

Ambry Genetics
Classification: Likely benign for Cardiovascular phenotype. Last evaluated: 2022-03-03. Review status: criteria provided, single submitter. Criteria: Ambry Variant Classification Scheme 2023. Collection method: clinical testing. Allele origin: germline.

Institute for Clinical Genetics, University Hospital TU Dresden, University Hospital TU Dresden
Classification: Uncertain significance. Last evaluated: 2021-11-03. Review status: criteria provided, single submitter. Criteria: ACMG Guidelines, 2015. Collection method: clinical testing. Allele origin: germline.

Women's Health and Genetics/Laboratory Corporation of America, LabCorp
Classification: Benign. Last evaluated: 2021-02-08. Review status: criteria provided, single submitter. Criteria: LabCorp Variant Classification Summary - May 2015. Collection method: clinical testing. Allele origin: germline.

GeneDx
Classification: Benign. Last evaluated: 2013-05-07. Review status: criteria provided, single submitter. Criteria: GeneDx Variant Classification (06012015). Collection method: clinical testing. Allele origin: germline. Affected: yes.
Comment: This variant is considered likely benign or benign based on one or more of the following criteria: it is a conservative change, it occurs at a poorly conserved position in the protein, it is predicted to be benign by multiple in silico algorithms, and/or has population frequency not consistent with disease.

Laboratory for Molecular Medicine, Mass General Brigham Personalized Medicine
Classification: Likely benign. Last evaluated: 2011-04-15. Review status: criteria provided, single submitter. Criteria: LMM Criteria. Collection method: clinical testing. Allele origin: germline. Observed: 3 variant alleles.
Comment: Ser226Ser in exon 6 of MAP2K2: This variant is not expected to have clinical sig nificance because it does not alter an amino acid residue and is not located nea r a splice junction.

PreventionGenetics, part of Exact Sciences
Classification: Likely benign. Review status: criteria provided, single submitter. Criteria: ACMG Guidelines, 2015. Collection method: clinical testing. Allele origin: germline.

Literature cited by the submitters: PubMed 15175348 (cited by Laboratory for Molecular Medicine, Mass General Brigham Personalized Medicine).